The following is an entry in ClinVar:

NM_002332.3(LRP1):c.6079_6080del (p.Trp2027fs)

Gene: LRP1 (LDL receptor related protein 1; plus strand). Cytogenetic location: 12q13.3.
Variant type: Deletion.
Coding change: c.6079_6080del on transcript NM_002332.3 (MANE Select); coding-DNA positions 6079 to 6080, 2 bases deleted (TG; older notation c.6079_6080delTG).
Protein change: p.Trp2027fs; shifts the reading frame from tryptophan 2027.
Molecular consequence: frameshift variant.
Genome position (GRCh38, 1-based): chr12:57,184,345-57,184,346, TG deleted; deleting any 2 consecutive bases within chr12:57,184,344-57,184,346 gives the same sequence; the c. name uses the placement nearest the transcript's 3' end. VCF-style (leftmost placement, unchanged base first): chr12-57184343-AGT-A. GRCh37 (hg19) VCF-style: chr12-57578126-AGT-A.
Other names: short protein forms W2027fs.
Identifiers: ClinVar variation 4975150 (VCV004975150.1).

ClinVar aggregate classification (germline): Uncertain significance (1 of 4 stars; one submission).

Submission:

GeneDx
Classification: Uncertain significance. Last evaluated: 2024-05-28. Review status: criteria provided, single submitter. Criteria: GeneDx Variant Classification Process June 2021. Collection method: clinical testing. Allele origin: germline.
Comment: Variants in candidate genes are classified as variants of uncertain significance in accordance with ACMG guidelines (Richards et al., 2015); Frameshift variant predicted to result in protein truncation or nonsense mediated decay in a gene for which loss-of-function is not a known mechanism of disease; Has not been previously published as pathogenic or benign to our knowledge; Not observed in large population cohorts (gnomAD)